The following is an entry in ClinVar:

ClinVar aggregate classification (germline): Uncertain significance. Review status: criteria provided, multiple submitters, no conflicts (2 of 4 stars). 2 submissions from 2 submitters: Uncertain significance (2). Last evaluated 2023-07-25.

Conditions:
Inborn genetic diseases. Identifiers: MedGen C0950123, MeSH D030342.
Spastic paraplegia. Identifiers: MedGen C0037772, HP:0001258.

Allele frequency attached by ClinVar (database versions not stated): gnomAD exomes below 0.00001.
gnomAD v4.1: 3 of 1,614,152 alleles (0.00019%); highest among the groups gnomAD compares: African/African-American, 0.0013%; no homozygotes.

Submissions (2):

Ambry Genetics
Classification: Uncertain significance for Inborn genetic diseases. Last evaluated: 2023-07-25. Review status: criteria provided, single submitter. Criteria: Ambry Variant Classification Scheme 2023. Collection method: clinical testing. Allele origin: germline.

Labcorp Genetics (formerly Invitae), Labcorp
Classification: Uncertain significance for Spastic paraplegia. Last evaluated: 2021-09-01. Review status: criteria provided, single submitter. Criteria: Invitae Variant Classification Sherloc (09022015). Collection method: clinical testing. Allele origin: germline.
Comment: This sequence change replaces glutamine with lysine at codon 475 of the ZFYVE26 protein (p.Gln475Lys). The glutamine residue is moderately conserved and there is a small physicochemical difference between glutamine and lysine. This variant is not present in population databases (ExAC no frequency). This variant has not been reported in the literature in individuals affected with ZFYVE26-related conditions. Algorithms developed to predict the effect of missense changes on protein structure and function (SIFT, PolyPhen-2, Align-GVGD) all suggest that this variant is likely to be tolerated. In summary, the available evidence is currently insufficient to determine the role of this variant in disease. Therefore, it has been classified as a Variant of Uncertain Significance.

NM_015346.4(ZFYVE26):c.1423C>A (p.Gln475Lys)

Gene: ZFYVE26 (zinc finger FYVE-type containing 26; minus strand). Cytogenetic location: 14q24.1.
Variant type: single nucleotide variant.
Coding change: c.1423C>A on transcript NM_015346.4 (MANE Select); coding-DNA position 1423, C replaced by A.
Protein change: p.Gln475Lys; replaces glutamine 475 with lysine.
Molecular consequence: missense variant.
Genome position (GRCh38, 1-based): chr14:67,804,113, G>T on the plus strand (C>A on the coding strand, the complement: ZFYVE26 is on the minus strand). VCF-style: chr14-67804113-G-T. GRCh37 (hg19) VCF-style: chr14-68270830-G-T.
Other names: c.1423C>A (NM_015346.3); short protein forms Q475K.
Identifiers: ClinVar variation 1406621 (VCV001406621.6), dbSNP rs2140248496, ClinGen allele CA390176678.